The following is an entry in ClinVar:

ClinVar aggregate classification (germline): Uncertain significance (1 of 4 stars; one submission).

Conditions:
Inborn genetic diseases. Identifiers: MedGen C0950123, MeSH D030342.

Submission:

Ambry Genetics
Classification: Uncertain significance for Inborn genetic diseases. Last evaluated: 2025-06-22. Review status: criteria provided, single submitter. Criteria: Ambry Variant Classification Scheme 2023. Collection method: clinical testing. Allele origin: germline.
Comment: The p.P1219R variant (also known as c.3656C>G), located in coding exon 13 of the ASXL1 gene, results from a C to G substitution at nucleotide position 3656. The proline at codon 1219 is replaced by arginine, an amino acid with dissimilar properties. This amino acid position is conserved. In addition, this alteration is predicted to be tolerated by in silico analysis. Based on the available evidence, the clinical significance of this variant remains unclear.

NM_015338.6(ASXL1):c.3656C>G (p.Pro1219Arg)

Gene: ASXL1 (ASXL transcriptional regulator 1; plus strand). Cytogenetic location: 20q11.21.
Variant type: single nucleotide variant.
Coding change: c.3656C>G on transcript NM_015338.6 (MANE Select); coding-DNA position 3656, C replaced by G.
Protein change: p.Pro1219Arg; replaces proline 1219 with arginine.
Molecular consequence: missense variant.
Genome position (GRCh38, 1-based): chr20:32,436,368, C>G. VCF-style: chr20-32436368-C-G. GRCh37 (hg19) VCF-style: chr20-31024171-C-G.
Other names: c.3473C>G, p.Pro1158Arg (NM_001363734.1); short protein forms P1158R, P1219R.
Identifiers: ClinVar variation 4157817 (VCV004157817.1).